The following is an entry in ClinVar:

NM_003172.4(SURF1):c.823A>T (p.Ile275Phe)

Gene: SURF1 (SURF1 cytochrome c oxidase assembly factor; minus strand). Cytogenetic location: 9q34.2.
Variant type: single nucleotide variant.
Coding change: c.823A>T on transcript NM_003172.4 (MANE Select); coding-DNA position 823, A replaced by T.
Protein change: p.Ile275Phe; replaces isoleucine 275 with phenylalanine.
Molecular consequence: missense variant.
Genome position (GRCh38, 1-based): chr9:133,352,071, T>A on the plus strand (A>T on the coding strand, the complement: SURF1 is on the minus strand). VCF-style: chr9-133352071-T-A. GRCh37 (hg19) VCF-style: chr9-136218926-T-A.
Other names: c.823A>T (NM_003172.2); c.496A>T, p.Ile166Phe (NM_001280787.1); short protein forms I166F, I275F.
Identifiers: ClinVar variation 1461063 (VCV001461063.4), dbSNP rs1050473947, ClinGen allele CA375693446.

ClinVar aggregate classification (germline): Uncertain significance. Review status: criteria provided, multiple submitters, no conflicts (2 of 4 stars). 2 submissions from 2 submitters: Uncertain significance (2). Last evaluated 2025-06-03.

Conditions:
Leigh syndrome (NULS). Also called: Leigh Syndrome (mtDNA deletion); Leigh's necrotizing encephalopathy; Leigh's disease; LEIGH SYNDROME, NUCLEAR; Leigh's syndrome; Leigh Disease. Identifiers: Orphanet 506, MedGen C2931891, MONDO:0009723, OMIM 256000.
Inborn genetic diseases. Identifiers: MedGen C0950123, MeSH D030342.

gnomAD v4.1: 7 of 1,611,796 alleles (0.00043%); highest among the groups gnomAD compares: Admixed American, 0.0017%; no homozygotes.

Submissions (2):

Ambry Genetics
Classification: Uncertain significance for Inborn genetic diseases. Last evaluated: 2025-06-03. Review status: criteria provided, single submitter. Criteria: Ambry Variant Classification Scheme 2023. Collection method: clinical testing. Allele origin: germline.

Labcorp Genetics (formerly Invitae), Labcorp
Classification: Uncertain significance for Leigh syndrome. Last evaluated: 2021-10-17. Review status: criteria provided, single submitter. Criteria: Invitae Variant Classification Sherloc (09022015). Collection method: clinical testing. Allele origin: germline.
Comment: This sequence change replaces isoleucine with phenylalanine at codon 275 of the SURF1 protein (p.Ile275Phe). The isoleucine residue is moderately conserved and there is a small physicochemical difference between isoleucine and phenylalanine. This variant is not present in population databases (ExAC no frequency). This variant has not been reported in the literature in individuals affected with SURF1-related conditions. Algorithms developed to predict the effect of missense changes on protein structure and function are either unavailable or do not agree on the potential impact of this missense change (SIFT: "Tolerated"; PolyPhen-2: "Probably Damaging"; Align-GVGD: "Class C0"). In summary, the available evidence is currently insufficient to determine the role of this variant in disease. Therefore, it has been classified as a Variant of Uncertain Significance.